The following is an entry in ClinVar:

NM_000074.3(CD40LG):c.440C>A (p.Thr147Asn)

Gene: CD40LG (CD40 ligand; plus strand). Cytogenetic location: Xq26.3.
Variant type: single nucleotide variant.
Coding change: c.440C>A on transcript NM_000074.3 (MANE Select); coding-DNA position 440, C replaced by A.
Protein change: p.Thr147Asn; replaces threonine 147 with asparagine.
Molecular consequence: missense variant.
Genome position (GRCh38, 1-based): chrX:136,659,069, C>A. VCF-style: chrX-136659069-C-A. GRCh37 (hg19) VCF-style: chrX-135741228-C-A.
Other names: short protein forms T147N.
Identifiers: ClinVar variation 381652 (VCV000381652.13), dbSNP rs1057521127, ClinGen allele CA16608703.

ClinVar aggregate classification (germline): Conflicting classifications of pathogenicity. Review status: criteria provided, conflicting classifications (1 of 4 stars). 2 submissions from 2 submitters: Likely pathogenic (1); Uncertain significance (1). Last evaluated 2019-05-20.

Conditions:
Hyper-IgM syndrome type 1. Also called: CD40 Ligand Deficiency; Hyper-IgM Immunodeficiency Syndrome, Type 1; X-linked hyper-IgM syndrome; Immunodeficiency, X-linked, with hyper-IgM. Identifiers: Orphanet 101088, MedGen C0398689, MONDO:0010626, OMIM 308230.

Submissions (2):

Labcorp Genetics (formerly Invitae), Labcorp
Classification: Uncertain significance for Hyper-IgM syndrome type 1. Last evaluated: 2019-05-20. Review status: criteria provided, single submitter. Criteria: Invitae Variant Classification Sherloc (09022015). Collection method: clinical testing. Allele origin: germline.
Comment: In summary, the available evidence is currently insufficient to determine the role of this variant in disease. Therefore, it has been classified as a Variant of Uncertain Significance. This variant has been reported to affect CD40LG protein function (PMID: 9746782, 20625427). This variant has been observed in individual(s) affected with X-linked hyper-IgM syndrome (PMID: 16509032, 9746782, 15358621). ClinVar contains an entry for this variant (Variation ID: 381652). This variant is not present in population databases (ExAC no frequency). This sequence change replaces threonine with asparagine at codon 147 of the CD40LG protein (p.Thr147Asn). The threonine residue is highly conserved and there is a small physicochemical difference between threonine and asparagine.

GeneDx
Classification: Likely pathogenic. Last evaluated: 2015-11-24. Review status: criteria provided, single submitter. Criteria: GeneDx Variant Classification (06012015). Collection method: clinical testing. Allele origin: germline. Affected: yes.
Comment: The T147N likely pathogenic variant has been published previously in two patients with Hyper IgM Syndrome (Seyama et al., 1998; Bajorath et al., 1996). It was not observed in approximately 6,500 individuals of European and African American ancestry in the NHLBI Exome Sequencing Project, indicating it is not a common benign variant in these populations. T147N is a conservative amino acid substitution, which is not likely to impact secondary protein structure as these residues share similar properties. This substitution occurs at a position that is conserved across species; however, in silico analysis is inconsistent in its predictions as to whether or not the variant is damaging to the protein structure/function. Missense variants in nearby residues (K143T, G144E) have been reported in the Human Gene Mutation Database in association with Hyper IgM Syndrome (Stenson et al., 2014), supporting the functional importance of this region of the protein. Furthermore, studies of the T147N variant have shown that it is associated with a gain of glycosylation in epithelial cells and has decreased binding for CD40 leading to decreased CD40L expression (Seyama et al., 1998; Vogt et al., 2005). Therefore, this variant is likely pathogenic; however, the possibility that it is benign cannot be excluded.

Literature cited by the submitters: PubMed 9746782 (cited by Labcorp Genetics (formerly Invitae), Labcorp); PubMed 20625427 (cited by Labcorp Genetics (formerly Invitae), Labcorp); PubMed 16509032 (cited by Labcorp Genetics (formerly Invitae), Labcorp); PubMed 15358621 (cited by Labcorp Genetics (formerly Invitae), Labcorp).